The following is an entry in ClinVar:

ClinVar aggregate classification (germline): Conflicting classifications of pathogenicity. Review status: criteria provided, conflicting classifications (1 of 4 stars). 3 submissions from 3 submitters: Uncertain significance (2); Likely benign (1). Last evaluated 2024-09-20.

Conditions:
Inborn genetic diseases. Identifiers: MedGen C0950123, MeSH D030342.
VISS syndrome. Also called: VASCULAR ANEURYSM, IMMUNE DYSREGULATION, SKELETAL ANOMALIES, AND SKIN AND JOINT LAXITY. Identifiers: MedGen C5561955, MONDO:0859177, OMIM 619472.

Allele frequency attached by ClinVar (database versions not stated): 1000 Genomes Project 30x 0.00016; 1000 Genomes Project 0.00020; gnomAD exomes 0.00037; ExAC 0.00038; gnomAD 0.00044; TOPMed 0.00053; ESP Exome Variant Server 0.00062.

Submissions (3):

3billion
Classification: Likely benign for VISS syndrome. Last evaluated: 2024-09-20. Review status: criteria provided, single submitter. Criteria: ACMG Guidelines, 2015. Collection method: clinical testing. Allele origin: germline. Affected: no.
Comment: The homozygous variant was found in patients diagnosed with another variant in a different gene, with no symptoms related to the gene containing the homozygous variant.

Pittsburgh Clinical Genomics Laboratory, University of Pittsburgh Medical Center
Classification: Uncertain significance for VISS syndrome. Last evaluated: 2023-08-17. Review status: criteria provided, single submitter. Criteria: ACMG Guidelines, 2015. Collection method: clinical testing. Allele origin: germline. Inheritance: Autosomal recessive inheritance. Affected: yes.
Comment: This sequence variant is a single nucleotide substitution (G>A) at position 339 of the coding sequence of the IPO8 gene that results in a methionine to isoleucine amino acid change at residue 113 of the importin 8 protein. This is a previously reported variant (ClinVar 2205776) that has not been observed in individuals affected by IPO8-related disease in the literature, to our knowledge. This variant is present in 136 of 281524 alleles (0.0483%) in the gnomAD population dataset. Bioinformatic tools are inconclusive if this amino acid change will be damaging or tolerated, and the Met113 residue at this position is highly conserved across the vertebrate species examined. Studies examining the functiol consequence of this variant have not been published, to our knowledge. At this time, there is insufficient evidence to determine if this variant is pathogenic or benign. Therefore, we consider this a variant of uncertain significance. ACMG Criteria: PM2

Ambry Genetics
Classification: Uncertain significance for Inborn genetic diseases. Last evaluated: 2021-08-02. Review status: criteria provided, single submitter. Criteria: Ambry Variant Classification Scheme 2023. Collection method: clinical testing. Allele origin: germline.

NM_006390.4(IPO8):c.339G>A (p.Met113Ile)

Gene: IPO8 (importin 8; minus strand). Cytogenetic location: 12p11.21.
Variant type: single nucleotide variant.
Coding change: c.339G>A on transcript NM_006390.4 (MANE Select); coding-DNA position 339, G replaced by A.
Protein change: p.Met113Ile; replaces methionine 113 with isoleucine.
Molecular consequence: missense variant.
Genome position (GRCh38, 1-based): chr12:30,681,802, C>T on the plus strand (G>A on the coding strand, the complement: IPO8 is on the minus strand). VCF-style: chr12-30681802-C-T. GRCh37 (hg19) VCF-style: chr12-30834736-C-T.
Other names: short protein forms M113I.
Identifiers: ClinVar variation 2205776 (VCV002205776.4), dbSNP rs149978470, ClinGen allele CA6499225.
Genomic context (GRCh38, chr12:30,681,802, plus strand): 5'-CTTGTCGACCACTCCTGGCCAGTGACCAGGAAAATCATGTTTTATGATGGCACGGAGACA[C>T]ATTGTTAATTGGACTCTACAAAGTAGGGAAGAAAAGTCCAAAATCTAAGTAATTATAAAT-3'
Protein context (NP_006381.2, residues 103-123): SPDLVRVQLT[Met113Ile]CLRAIIKHDF